The following is an entry in ClinVar:

ClinVar aggregate classification (germline): Uncertain significance (1 of 4 stars; one submission).

Submission:

CeGaT Center for Human Genetics Tuebingen
Classification: Uncertain significance. Last evaluated: 2025-01-01. Review status: criteria provided, single submitter. Criteria: CeGaT Center For Human Genetics Tuebingen Variant Classification Criteria Version 2. Collection method: clinical testing. Allele origin: germline. Affected: yes. Observed: 1 variant allele.
Comment: SCN1A: PM2, PM5, PP2

NM_001165963.4(SCN1A):c.3251G>C (p.Ser1084Thr)

Genes: SCN1A (sodium voltage-gated channel alpha subunit 1; minus strand), LOC102724058 (uncharacterized LOC102724058; plus strand). Cytogenetic location: 2q24.3.
Variant type: single nucleotide variant.
Coding change: c.3251G>C on transcript NM_001165963.4 (MANE Select); coding-DNA position 3251, G replaced by C.
Protein change: p.Ser1084Thr; replaces serine 1084 with threonine.
Molecular consequence: missense variant. On other transcripts: non-coding transcript variant (2).
Genome position (GRCh38, 1-based): chr2:166,036,226, C>G on the plus strand (G>C on the coding strand, the complement: SCN1A is on the minus strand). VCF-style: chr2-166036226-C-G. GRCh37 (hg19) VCF-style: chr2-166892736-C-G.
Other names: c.3167G>C, p.Ser1056Thr (NM_001165964.3, NM_001353957.2, NM_001353958.2); c.3251G>C, p.Ser1084Thr (NM_001202435.3, NM_001353948.2); c.3218G>C, p.Ser1073Thr (NM_001353949.2, NM_001353950.2, NM_001353951.2 and 2 more transcripts); c.3215G>C, p.Ser1072Thr (NM_001353954.2, NM_001353955.2); c.3164G>C, p.Ser1055Thr (NM_001353960.2); c.809G>C, p.Ser270Thr (NM_001353961.2); short protein forms S1055T, S1056T, S1072T, S1073T, S1084T, S270T.
Identifiers: ClinVar variation 3772283 (VCV003772283.13).